The following is an entry in ClinVar:

ClinVar aggregate classification (germline): Uncertain significance. Review status: criteria provided, multiple submitters, no conflicts (2 of 4 stars). 3 submissions from 3 submitters: Uncertain significance (3). Last evaluated 2024-08-20.

Conditions:
Inborn genetic diseases. Identifiers: MedGen C0950123, MeSH D030342.
Myopathy, centronuclear, 2 (CNM2). Also called: MYOTUBULAR MYOPATHY, AUTOSOMAL RECESSIVE. Identifiers: Orphanet 169186, MedGen CN031787, MONDO:0009709, OMIM 255200.

Allele frequency attached by ClinVar (database versions not stated): gnomAD 0.00004; TOPMed 0.00003.
gnomAD v4.1: 19 of 1,613,618 alleles (0.0012%); highest among the groups gnomAD compares: Non-Finnish European, 0.0014%; no homozygotes.

Submissions (5):

Ambry Genetics
Classification: Uncertain significance for Inborn genetic diseases. Last evaluated: 2024-08-20. Review status: criteria provided, single submitter. Criteria: Ambry Variant Classification Scheme 2023. Collection method: clinical testing. Allele origin: germline.

Labcorp Genetics (formerly Invitae), Labcorp
Classification: Uncertain significance for Myopathy, centronuclear, 2. Last evaluated: 2022-10-12. Review status: criteria provided, single submitter. Criteria: Invitae Variant Classification Sherloc (09022015). Collection method: clinical testing. Allele origin: germline.
Comment: In summary, the available evidence is currently insufficient to determine the role of this variant in disease. Therefore, it has been classified as a Variant of Uncertain Significance. Algorithms developed to predict the effect of missense changes on protein structure and function output the following: SIFT: "Tolerated"; PolyPhen-2: "Benign"; Align-GVGD: "Class C0". The valine amino acid residue is found in multiple mammalian species, which suggests that this missense change does not adversely affect protein function. ClinVar contains an entry for this variant (Variation ID: 893508). This variant has not been reported in the literature in individuals affected with BIN1-related conditions. This variant is present in population databases (rs751051376, gnomAD 0.003%). This sequence change replaces alanine, which is neutral and non-polar, with valine, which is neutral and non-polar, at codon 465 of the BIN1 protein (p.Ala465Val).

Illumina Laboratory Services, Illumina
Classification: Uncertain significance for Myopathy, centronuclear, 2. Last evaluated: 2018-01-13. Review status: criteria provided, single submitter. Criteria: ICSL Variant Classification Criteria 13 December 2019. Collection method: clinical testing. Allele origin: germline.

Dr. Peter K. Rogan Lab, Western University
No classification provided (evidence only). Condition: Ovarian serous cystadenocarcinoma. Review status: no classification provided. Collection method: in vitro. Allele origin: not applicable. Functional consequence: skipped exon, retained intron. Not counted in ClinVar's aggregate classification.

Dr. Peter K. Rogan Lab, Western University
No classification provided (evidence only). Condition: Nonpapillary renal cell carcinoma. Review status: no classification provided. Collection method: in vitro. Allele origin: not applicable. Functional consequence: skipped exon, retained intron. Not counted in ClinVar's aggregate classification.

NM_139343.3(BIN1):c.1394C>T (p.Ala465Val)

Gene: BIN1 (bridging integrator 1; minus strand). Cytogenetic location: 2q14.3.
Variant type: single nucleotide variant.
Coding change: c.1394C>T on transcript NM_139343.3 (MANE Select); coding-DNA position 1394, C replaced by T.
Protein change: p.Ala465Val; replaces alanine 465 with valine.
Molecular consequence: missense variant. On other transcripts: intron variant (3).
Genome position (GRCh38, 1-based): chr2:127,051,221, G>A on the plus strand (C>T on the coding strand, the complement: BIN1 is on the minus strand). VCF-style: chr2-127051221-G-A. GRCh37 (hg19) VCF-style: chr2-127808797-G-A.
Other names: c.1025C>T, p.Ala342Val (NM_001320633.2); c.1154C>T, p.Ala385Val (NM_001320640.2); c.1301C>T, p.Ala434Val (NM_001320641.2); c.1313C>T, p.Ala438Val (NM_001320642.1); c.977C>T, p.Ala326Val (NM_004305.4); c.1265C>T, p.Ala422Val (NM_139344.3); c.1133C>T, p.Ala378Val (NM_139345.3); c.1106C>T, p.Ala369Val (NM_139346.3); and 7 more; short protein forms A378V, A385V, A347V, A354V, A369V, A311V, A326V, A342V.
Identifiers: ClinVar variation 893508 (VCV000893508.13), dbSNP rs751051376, ClinGen allele CA1857071.
Genomic context (GRCh38, chr2:127,051,221, plus strand): 5'-GCTTCACTTGCCGCCGTCTCCCCTGGCTCCTGGGCTCCAGCCGCAGGTTGGGTCCCACCC[G>A]CCACCTCCGAGGCCTCTGCTGGCTGCAACATAAATGCCGGCTTGGGGTCAGACACAGGAC-3'
Protein context (NP_647593.1, residues 455-475): PAQPAEASEV[Ala465Val]GGTQPAAGAQ